The following is an entry in ClinVar:

NM_000257.4(MYH7):c.1144G>T (p.Asp382Tyr)

Gene: MYH7 (myosin heavy chain 7; minus strand). Cytogenetic location: 14q11.2.
Variant type: single nucleotide variant.
Coding change: c.1144G>T on transcript NM_000257.4 (MANE Select); coding-DNA position 1144, G replaced by T.
Protein change: p.Asp382Tyr; replaces aspartic acid 382 with tyrosine.
Molecular consequence: missense variant.
Genome position (GRCh38, 1-based): chr14:23,429,342, C>A on the plus strand (G>T on the coding strand, the complement: MYH7 is on the minus strand). VCF-style: chr14-23429342-C-A. GRCh37 (hg19) VCF-style: chr14-23898551-C-A.
Other names: c.1144G>T (LRG_384t1); short protein forms D382Y.
Identifiers: ClinVar variation 237432 (VCV000237432.9), dbSNP rs878853836, ClinGen allele CA10583171.

ClinVar aggregate classification (germline): Conflicting classifications of pathogenicity. Review status: criteria provided, conflicting classifications (1 of 4 stars). 2 submissions from 2 submitters: Likely pathogenic (1); Uncertain significance (1). Last evaluated 2025-02-05.

Conditions:
Cardiovascular phenotype. Identifiers: MedGen CN230736.
Hypertrophic cardiomyopathy. Also called: HYPERTROPHIC MYOCARDIOPATHY. Identifiers: Orphanet 217569, MedGen C0007194, MeSH D002312, MONDO:0005045, HP:0001639.

Submissions (2):

Ambry Genetics
Classification: Uncertain significance for Cardiovascular phenotype. Last evaluated: 2025-02-05. Review status: criteria provided, single submitter. Criteria: Ambry Variant Classification Scheme 2023. Collection method: clinical testing. Allele origin: germline.
Comment: The p.D382Y variant (also known as c.1144G>T), located in coding exon 11 of the MYH7 gene, results from a G to T substitution at nucleotide position 1144. The aspartic acid at codon 382 is replaced by tyrosine, an amino acid with highly dissimilar properties. This variant has been reported in subjects with hypertrophic cardiomyopathy (HCM) (Lopes LR et al. Heart, 2015 Feb;101:294-301; Kaski JP et al. Circ Cardiovasc Genet, 2009 Oct;2:436-41: Ambry internal data; external communication). This alteration is located in the myosin head domain, which contains a statistically significant clustering of pathogenic missense variants (Homburger JR et al. Proc Natl Acad Sci U S A, 2016 06;113:6701-6; Walsh R et al. Genet Med, 2017 02;19:192-203; Ambry internal data). This amino acid position is highly conserved in available vertebrate species. In addition, this alteration is predicted to be deleterious by in silico analysis. Based on the available evidence, the clinical significance of this variant remains unclear.

Labcorp Genetics (formerly Invitae), Labcorp
Classification: Likely pathogenic for Hypertrophic cardiomyopathy. Last evaluated: 2020-11-17. Review status: criteria provided, single submitter. Criteria: Invitae Variant Classification Sherloc (09022015). Collection method: clinical testing. Allele origin: germline.
Comment: This variant has been observed in individual(s) with hypertrophic cardiomyopathy (PMID: 20031618, Invitae). It has also been observed to segregate with disease in related individuals. In summary, the currently available evidence indicates that the variant is pathogenic, but additional data are needed to prove that conclusively. Therefore, this variant has been classified as Likely Pathogenic. This variant is found within a region of MYH7 between codons 181 and 937 that contains the majority of the myosin head domain. Missense variants in this region have been shown to be significantly overrepresented in individuals with hypertrophic cardiomyopathy (PMID: 27532257). Experimental studies have shown that this variant affects MYH7 protein function (PMID: 31213605). This variant is not present in population databases (ExAC no frequency). This sequence change replaces aspartic acid with tyrosine at codon 382 of the MYH7 protein (p.Asp382Tyr). The aspartic acid residue is highly conserved and there is a large physicochemical difference between aspartic acid and tyrosine.

Literature cited by the submitters: PubMed 20031618 (cited by Ambry Genetics and Labcorp Genetics (formerly Invitae), Labcorp); PubMed 25351510 (cited by Ambry Genetics); PubMed 27532257 (cited by Labcorp Genetics (formerly Invitae), Labcorp); PubMed 31213605 (cited by Labcorp Genetics (formerly Invitae), Labcorp).